The following is an entry in ClinVar:

ClinVar aggregate classification (germline): Uncertain significance (1 of 4 stars; one submission).

Submission:

Labcorp Genetics (formerly Invitae), Labcorp
Classification: Uncertain significance. Last evaluated: 2026-01-26. Review status: criteria provided, single submitter. Criteria: Invitae Variant Classification Sherloc (09022015). Collection method: clinical testing. Allele origin: germline.
Comment: This sequence change falls in intron 41 of the COL11A2 gene. It does not directly change the encoded amino acid sequence of the COL11A2 protein. This variant is not present in population databases (gnomAD no frequency). This variant has not been reported in the literature in individuals affected with COL11A2-related conditions. Algorithms developed to predict the effect of sequence changes on RNA splicing suggest that this variant may disrupt the consensus splice site. In summary, the available evidence is currently insufficient to determine the role of this variant in disease. Therefore, it has been classified as a Variant of Uncertain Significance.

NM_080680.3(COL11A2):c.3042+9G>A

Gene: COL11A2 (collagen type XI alpha 2 chain; minus strand). Cytogenetic location: 6p21.32.
Variant type: single nucleotide variant.
Coding change: c.3042+9G>A on transcript NM_080680.3 (MANE Select); 9 bases into the intron after coding-DNA position 3042, G replaced by A.
Molecular consequence: intron variant.
Genome position (GRCh38, 1-based): chr6:33,172,041, C>T on the plus strand (G>A on the coding strand, the complement: COL11A2 is on the minus strand). VCF-style: chr6-33172041-C-T. GRCh37 (hg19) VCF-style: chr6-33139818-C-T.
Other names: c.2016+9G>A (NM_001424111.1, NM_001424110.1); c.2721+9G>A (NM_080679.3); c.2784+9G>A (NM_080681.3); c.2862+9G>A (NM_001424108.1); c.2196+9G>A (NM_001424109.1); c.996+9G>A (NM_001424112.1).
Identifiers: ClinVar variation 4692710 (VCV004692710.1).